The following is an entry in ClinVar:

ClinVar aggregate classification (germline): Uncertain significance. Review status: criteria provided, multiple submitters, no conflicts (2 of 4 stars). 2 submissions from 2 submitters: Uncertain significance (2). Last evaluated 2024-12-03.

Conditions:
Inborn genetic diseases. Identifiers: MedGen C0950123, MeSH D030342.
Developmental and epileptic encephalopathy, 33 (DEE33). Also called: Epileptic encephalopathy, early infantile, 33. Identifiers: Orphanet 442835, MedGen C4225337, MONDO:0014625, OMIM 616409.

Allele frequency attached by ClinVar (database versions not stated): gnomAD exomes below 0.00001.
gnomAD v4.1: 2 of 1,612,816 alleles (0.00012%); highest among the groups gnomAD compares: Non-Finnish European, 0.00017%; no homozygotes.

Submissions (2):

Ambry Genetics
Classification: Uncertain significance for Inborn genetic diseases. Last evaluated: 2024-12-03. Review status: criteria provided, single submitter. Criteria: Ambry Variant Classification Scheme 2023. Collection method: clinical testing. Allele origin: germline.

Labcorp Genetics (formerly Invitae), Labcorp
Classification: Uncertain significance for Developmental and epileptic encephalopathy, 33. Last evaluated: 2023-11-13. Review status: criteria provided, single submitter. Criteria: Invitae Variant Classification Sherloc (09022015). Collection method: clinical testing. Allele origin: germline.
Comment: This sequence change replaces valine, which is neutral and non-polar, with methionine, which is neutral and non-polar, at codon 150 of the EEF1A2 protein (p.Val150Met). This variant is present in population databases (no rsID available, gnomAD 0.0009%). This variant has not been reported in the literature in individuals affected with EEF1A2-related conditions. Advanced modeling of protein sequence and biophysical properties (such as structural, functional, and spatial information, amino acid conservation, physicochemical variation, residue mobility, and thermodynamic stability) performed at Invitae indicates that this missense variant is expected to disrupt EEF1A2 protein function with a positive predictive value of 80%. In summary, the available evidence is currently insufficient to determine the role of this variant in disease. Therefore, it has been classified as a Variant of Uncertain Significance.

NM_001958.5(EEF1A2):c.448G>A (p.Val150Met)

Genes: EEF1A2 (eukaryotic translation elongation factor 1 alpha 2; minus strand), LOC132090595 (Neanderthal introgressed variant-containing enhancer experimental_60987; plus strand). Cytogenetic location: 20q13.33.
Variant type: single nucleotide variant.
Coding change: c.448G>A on transcript NM_001958.5 (MANE Select); coding-DNA position 448, G replaced by A.
Protein change: p.Val150Met; replaces valine 150 with methionine.
Molecular consequence: missense variant.
Genome position (GRCh38, 1-based): chr20:63,494,978, C>T on the plus strand (G>A on the coding strand, the complement: EEF1A2 is on the minus strand). VCF-style: chr20-63494978-C-T. GRCh37 (hg19) VCF-style: chr20-62126331-C-T.
Other names: c.448G>A (NM_001958.2); short protein forms V150M.
Identifiers: ClinVar variation 2837636 (VCV002837636.4), dbSNP rs1355004578, ClinGen allele CA409649980.